The following is an entry in ClinVar:

ClinVar aggregate classification (germline): Conflicting classifications of pathogenicity. Review status: criteria provided, conflicting classifications (1 of 4 stars). 3 submissions from 3 submitters: Likely pathogenic (1); Uncertain significance (2). Last evaluated 2024-10-08.

Conditions:
Retinitis pigmentosa 25 (RP25). Identifiers: Orphanet 791, MedGen C1864446, MONDO:0011272, OMIM 602772.

Allele frequency attached by ClinVar (database versions not stated): gnomAD 0.00001.
gnomAD v4.1: 7 of 1,551,702 alleles (0.00045%); highest among the groups gnomAD compares: Admixed American, 0.002%; no homozygotes.

Submissions (3):

Labcorp Genetics (formerly Invitae), Labcorp
Classification: Uncertain significance. Last evaluated: 2024-10-08. Review status: criteria provided, single submitter. Criteria: Invitae Variant Classification Sherloc (09022015). Collection method: clinical testing. Allele origin: germline.
Comment: This sequence change replaces phenylalanine, which is neutral and non-polar, with tyrosine, which is neutral and polar, at codon 2372 of the EYS protein (p.Phe2372Tyr). This variant is not present in population databases (gnomAD no frequency). This missense change has been observed in individual(s) with retinitis pigmentosa (PMID: 29159838, 36513702). ClinVar contains an entry for this variant (Variation ID: 1799513). Invitae Evidence Modeling of protein sequence and biophysical properties (such as structural, functional, and spatial information, amino acid conservation, physicochemical variation, residue mobility, and thermodynamic stability) indicates that this missense variant is not expected to disrupt EYS protein function with a negative predictive value of 80%. In summary, the available evidence is currently insufficient to determine the role of this variant in disease. Therefore, it has been classified as a Variant of Uncertain Significance.

Blueprint Genetics
Classification: Uncertain significance. Last evaluated: 2024-09-03. Review status: criteria provided, single submitter. Criteria: ACMG Guidelines, 2015. Collection method: clinical testing. Allele origin: germline.

Siriraj Ophthalmic Genetics Research, Faculty of Medicine Siriraj Hospital, Mahidol University
Classification: Likely pathogenic for Retinitis pigmentosa 25. Last evaluated: 2022-05-01. Review status: criteria provided, single submitter. Criteria: ACMG Guidelines, 2015. Collection method: research. Allele origin: germline. Affected: yes. Observed: 1 compound heterozygote.

Literature cited by the submitters: PubMed 29159838 (cited by Labcorp Genetics (formerly Invitae), Labcorp); PubMed 36513702 (cited by Labcorp Genetics (formerly Invitae), Labcorp).

NM_001142800.2(EYS):c.7115T>A (p.Phe2372Tyr)

Gene: EYS (EGF-like photoreceptor maintenance factor; minus strand). Cytogenetic location: 6q12.
Variant type: single nucleotide variant.
Coding change: c.7115T>A on transcript NM_001142800.2 (MANE Select); coding-DNA position 7115, T replaced by A.
Protein change: p.Phe2372Tyr; replaces phenylalanine 2372 with tyrosine.
Molecular consequence: missense variant.
Genome position (GRCh38, 1-based): chr6:63,864,299, A>T on the plus strand (T>A on the coding strand, the complement: EYS is on the minus strand). VCF-style: chr6-63864299-A-T. GRCh37 (hg19) VCF-style: chr6-64574192-A-T.
Other names: c.7115T>A, p.Phe2372Tyr (NM_001292009.2); short protein forms F2372Y.
Identifiers: ClinVar variation 1799513 (VCV001799513.6), dbSNP rs1004559050, ClinGen allele CA140252583.